The following is an entry in ClinVar:

NM_000521.4(HEXB):c.1079del (p.Cys360fs)

Gene: HEXB (hexosaminidase subunit beta; plus strand). Cytogenetic location: 5q13.3.
Variant type: Deletion.
Coding change: c.1079del on transcript NM_000521.4 (MANE Select); coding-DNA position 1079, one base deleted (G; older notation c.1079delG).
Protein change: p.Cys360fs; shifts the reading frame from cysteine 360.
Molecular consequence: frameshift variant.
Genome position (GRCh38, 1-based): chr5:74,715,687, G deleted. VCF-style (leftmost placement, unchanged base first): chr5-74715686-TG-T. GRCh37 (hg19) VCF-style: chr5-74011511-TG-T.
Other names: c.404del, p.Cys135fs (NM_001292004.2); short protein forms C135fs, C360fs.
Identifiers: ClinVar variation 5013295 (VCV005013295.1).

ClinVar aggregate classification (germline): Pathogenic (1 of 4 stars; one submission).

Conditions:
Sandhoff disease. Also called: HEXOSAMINIDASES A AND B DEFICIENCY; Beta-hexosaminidase-beta-subunit deficiency; GM2 gangliosidosis, type 2; Total hexosaminidase deficiency; Sandhoff-Jatzkewitz-Pilz disease; GM2-GANGLIOSIDOSIS, TYPE II. Identifiers: Orphanet 796, MedGen C0036161, MONDO:0010006, OMIM 268800.

Submission:

Myriad Genetics, Inc.
Classification: Pathogenic for Sandhoff disease. Last evaluated: 2024-07-09. Review status: criteria provided, single submitter. Criteria: Myriad Autosomal Dominant, Autosomal Recessive and X-Linked Classification Criteria (2023). Collection method: clinical testing. Allele origin: unknown.
Comment: NM_000521.3(HEXB):c.1079delG(C360Ffs*12) is expected to be pathogenic in the context of Sandhoff disease. This variant is predicted to lead to an abnormal or absent protein product due to the creation of a premature termination codon in HEXB, a gene where loss-of-function variants are known to be pathogenic. Please note: this variant was assessed in the context of healthy population screening.